The following is an entry in ClinVar:

NM_003801.4(GPAA1):c.461_462del (p.Ser154fs)

Gene: GPAA1 (glycosylphosphatidylinositol anchor attachment 1; plus strand). Cytogenetic location: 8q24.3.
Variant type: Microsatellite.
Coding change: c.461_462del on transcript NM_003801.4 (MANE Select); coding-DNA positions 461 to 462, 2 bases deleted (CT; older notation c.461_462delCT).
Protein change: p.Ser154fs; shifts the reading frame from serine 154.
Molecular consequence: frameshift variant.
Genome position (GRCh38, 1-based): chr8:144,083,808-144,083,809, CT deleted; deleting any 2 consecutive bases within chr8:144,083,806-144,083,809 gives the same sequence; the c. name uses the placement nearest the transcript's 3' end. VCF-style (leftmost placement, unchanged base first): chr8-144083805-ACT-A. GRCh37 (hg19) VCF-style: chr8-145138708-ACT-A.
Other names: c.461_462del (NM_003801.3); short protein forms S154fs.
Identifiers: ClinVar variation 1931116 (VCV001931116.6), dbSNP rs2537315172, ClinGen allele CA2580610862.

ClinVar aggregate classification (germline): Pathogenic/Likely pathogenic. Review status: criteria provided, multiple submitters, no conflicts (2 of 4 stars). 2 submissions from 2 submitters: Pathogenic (1); Likely pathogenic (1). Last evaluated 2024-10-24.

Submissions (2):

Labcorp Genetics (formerly Invitae), Labcorp
Classification: Pathogenic. Last evaluated: 2024-10-24. Review status: criteria provided, single submitter. Criteria: Invitae Variant Classification Sherloc (09022015). Collection method: clinical testing. Allele origin: germline.
Comment: This sequence change creates a premature translational stop signal (p.Ser154Tyrfs*34) in the GPAA1 gene. It is expected to result in an absent or disrupted protein product. Loss-of-function variants in GPAA1 are known to be pathogenic (PMID: 29100095). This variant is not present in population databases (gnomAD no frequency). This variant has not been reported in the literature in individuals affected with GPAA1-related conditions. For these reasons, this variant has been classified as Pathogenic.

GeneDx
Classification: Likely pathogenic. Last evaluated: 2024-04-27. Review status: criteria provided, single submitter. Criteria: GeneDx Variant Classification Process June 2021. Collection method: clinical testing. Allele origin: germline. Affected: yes.
Comment: Frameshift variant predicted to result in protein truncation or nonsense mediated decay in a gene for which loss of function is a known mechanism of disease; Not observed at significant frequency in large population cohorts (gnomAD); Has not been previously published as pathogenic or benign to our knowledge

Literature cited by the submitters: PubMed 29100095 (cited by Labcorp Genetics (formerly Invitae), Labcorp).